The following is an entry in ClinVar:

NM_024685.4(BBS10):c.1192_1193insA (p.Val398fs)

Gene: BBS10 (Bardet-Biedl syndrome 10; minus strand). Cytogenetic location: 12q21.2.
Variant type: Insertion.
Coding change: c.1192_1193insA on transcript NM_024685.4 (MANE Select); coding-DNA positions 1192 to 1193, A inserted.
Protein change: p.Val398fs; shifts the reading frame from valine 398.
Molecular consequence: frameshift variant.
Genome position: GRCh38 VCF-style: chr12-76346792-A-AT. GRCh37 (hg19) VCF-style: chr12-76740572-A-AT.
Other names: short protein forms V398fs.
Identifiers: ClinVar variation 4081834 (VCV004081834.1).

ClinVar aggregate classification (germline): Pathogenic (1 of 4 stars; one submission).

Conditions:
Bardet-Biedl syndrome 10 (BBS10). Identifiers: Orphanet 110, MedGen C1859568, MONDO:0014438, OMIM 615987.

Submission:

Myriad Genetics, Inc.
Classification: Pathogenic for Bardet-Biedl syndrome 10. Last evaluated: 2025-06-04. Review status: criteria provided, single submitter. Criteria: Myriad Autosomal Dominant, Autosomal Recessive and X-Linked Classification Criteria (2023). Collection method: clinical testing. Allele origin: unknown.
Comment: NM_024685.3(BBS10):c.1192_1193insA(V398Dfs*11) is a frameshift variant classified as pathogenic in the context of Bardet-Biedl syndrome, BBS10-related. V398Dfs*11 has not been observed in cases with relevant disease. Relevant functional assessments of this variant are not available in the literature. V398Dfs*11 has not been observed in referenced population frequency databases. In summary, NM_024685.3(BBS10):c.1192_1193insA(V398Dfs*11) is a frameshift variant in a gene where loss of function is a known mechanism of disease and is predicted to disrupt protein function. Please note: this variant was assessed in the context of healthy population screening.